The following is an entry in ClinVar:

NM_007294.3:c.134+2460_4357+2437dup

Gene: BRCA1 (BRCA1 DNA repair associated; minus strand).
Variant type: Duplication.
Identifiers: ClinVar variation 1770345 (VCV001770345.2).

ClinVar aggregate classification (germline): Pathogenic (1 of 4 stars; one submission).

Conditions:
Hereditary cancer-predisposing syndrome. Also called: Hereditary Cancer Syndrome; Hereditary neoplastic syndrome; Neoplastic Syndromes, Hereditary; Tumor predisposition. Identifiers: Orphanet 140162, MedGen C0027672, MeSH D009386, MONDO:0015356.

Submission:

Ambry Genetics
Classification: Pathogenic for Hereditary cancer-predisposing syndrome. Last evaluated: 2018-02-23. Review status: criteria provided, single submitter. Criteria: Ambry Variant Classification Scheme 2023. Collection method: clinical testing. Allele origin: germline.
Comment: The EX3_11dup gross duplication spans coding exons 3 through 11 in the BRCA1 gene. Additional analysis to determine breakpoints identified that this duplication is in tandem and is predicted to result in a translational frameshift with a predicted alternate stop codon (Ambry internal data). As such, this alteration is interpreted as a disease-causing mutation.